The following is an entry in ClinVar:

ClinVar aggregate classification (germline): Uncertain significance (1 of 4 stars; one submission).

Conditions:
Frontotemporal dementia (FTD1). Also called: WILHELMSEN-LYNCH DISEASE; FRONTOTEMPORAL LOBAR DEGENERATION WITH TAU INCLUSIONS; FTLD WITH TAU INCLUSIONS; Dementia, frontotemporal, with or without parkinsonism; Frontotemporal Dementia with Parkinsonism-17 (FTDP-17); Frontotemporal lobe dementia (FLDEM). Identifiers: Orphanet 282, MedGen C0338451, MONDO:0017276, OMIM 600274, HP:0002145.

Allele frequency attached by ClinVar (database versions not stated): gnomAD 0.00001; gnomAD exomes 0.00001.
gnomAD v4.1: 12 of 1,551,442 alleles (0.00077%); highest among the groups gnomAD compares: African/African-American, 0.0014%; no homozygotes.

Submission:

Molecular Genetics, Royal Melbourne Hospital
Classification: Uncertain significance for Frontotemporal dementia. Last evaluated: 2021-08-10. Review status: criteria provided, single submitter. Criteria: ACMG Guidelines, 2015. Collection method: clinical testing. Allele origin: germline. Affected: yes.
Comment: This sequence change in MAPT is an intronic variant located in intron 5. This variant is present in a single individual in the European (non-Finnish) population in gnomAD v2.1 (1/194,904 alleles). To our knowledge, this variant has not been reported in the literature in any individuals with frontotemporal dementia. The results from multiple in silico splicing predictors (SpliceAI, MaxEntScan, NNSplice) indicate that this variant may impact splicing by disrupting the donor splice site of intron 5. However, the relevance of this prediction is unknown as exon 5 (also known as exon 6) is not present in any of the alternatively spliced MAPT transcripts expressed in the brain (PMID: 19263483). Based on the classification scheme RMH Modified ACMG Guidelines v1.4.0, this variant is classified as a VARIANT OF UNCERTAIN SIGNIFICANCE. Following criteria are met: PM2_Supporting, PP3.

Literature cited by the submitters: PubMed 19263483.

NM_001377265.1(MAPT):c.1351+5G>C

Gene: MAPT (microtubule associated protein tau). Cytogenetic location: 17q21.31.
Variant type: single nucleotide variant.
Coding change: c.1351+5G>C on transcript NM_001377265.1 (MANE Select); 5 bases into the intron after coding-DNA position 1351, G replaced by C.
Molecular consequence: intron variant.
Genome position (GRCh38, 1-based): chr17:45,983,935, G>C. VCF-style: chr17-45983935-G-C. GRCh37 (hg19) VCF-style: chr17-44061301-G-C.
Other names: c.200-3105G>C (NM_001377268.1, NM_016834.5, NM_016841.5); c.1126+5G>C (NM_001123066.4, NM_016835.5); c.374-3105G>C (NM_005910.6, NM_001203252.2); c.1351+5G>C (NM_001377266.1); c.287-3105G>C (NM_001123067.4, NM_001203251.2, NM_001377267.1).
Identifiers: ClinVar variation 1676222 (VCV001676222.2), dbSNP rs1211967572, ClinGen allele CA626683687.